The following is an entry in ClinVar:

ClinVar aggregate classification (germline): Uncertain significance. Review status: criteria provided, multiple submitters, no conflicts (2 of 4 stars). 2 submissions from 2 submitters: Uncertain significance (2). Last evaluated 2024-09-03.

Conditions:
Inborn genetic diseases. Identifiers: MedGen C0950123, MeSH D030342.

Submissions (2):

Women's Health and Genetics/Laboratory Corporation of America, LabCorp
Classification: Uncertain significance. Last evaluated: 2024-09-03. Review status: criteria provided, single submitter. Criteria: LabCorp Variant Classification Summary - May 2015. Collection method: clinical testing. Allele origin: germline.
Comment: Variant summary: CREB3L1 c.451G>T (p.Ala151Ser) results in a conservative amino acid change in the encoded protein sequence. Five of five in-silico tools predict a benign effect of the variant on protein function. The frequency data for this variant in gnomAD is considered unreliable, as metrics indicate poor data quality at this position. To our knowledge, no occurrence of c.451G>T in individuals affected with Osteogenesis Imperfecta Type 16 and no experimental evidence demonstrating its impact on protein function have been reported. ClinVar contains an entry for this variant (Variation ID: 3269446). Based on the evidence outlined above, the variant was classified as uncertain significance.

Ambry Genetics
Classification: Uncertain significance for Inborn genetic diseases. Last evaluated: 2024-04-23. Review status: criteria provided, single submitter. Criteria: Ambry Variant Classification Scheme 2023. Collection method: clinical testing. Allele origin: germline.

NM_052854.4(CREB3L1):c.451G>T (p.Ala151Ser)

Gene: CREB3L1 (cAMP responsive element binding protein 3 like 1; plus strand). Cytogenetic location: 11p11.2.
Variant type: single nucleotide variant.
Coding change: c.451G>T on transcript NM_052854.4 (MANE Select); coding-DNA position 451, G replaced by T.
Protein change: p.Ala151Ser; replaces alanine 151 with serine.
Molecular consequence: missense variant.
Genome position (GRCh38, 1-based): chr11:46,307,935, G>T. VCF-style: chr11-46307935-G-T. GRCh37 (hg19) VCF-style: chr11-46329486-G-T.
Other names: short protein forms A151S.
Identifiers: ClinVar variation 3269446 (VCV003269446.2).